The following is an entry in ClinVar:

ClinVar aggregate classification (germline): Uncertain significance (1 of 4 stars; one submission).

Submission:

Labcorp Genetics (formerly Invitae), Labcorp
Classification: Uncertain significance. Last evaluated: 2024-02-24. Review status: criteria provided, single submitter. Criteria: Invitae Variant Classification Sherloc (09022015). Collection method: clinical testing. Allele origin: germline.
Comment: This sequence change replaces proline, which is neutral and non-polar, with leucine, which is neutral and non-polar, at codon 1638 of the SRCAP protein (p.Pro1638Leu). This variant is not present in population databases (gnomAD no frequency). This variant has not been reported in the literature in individuals affected with SRCAP-related conditions. Advanced modeling of protein sequence and biophysical properties (such as structural, functional, and spatial information, amino acid conservation, physicochemical variation, residue mobility, and thermodynamic stability) performed at Invitae indicates that this missense variant is not expected to disrupt SRCAP protein function with a negative predictive value of 80%. In summary, the available evidence is currently insufficient to determine the role of this variant in disease. Therefore, it has been classified as a Variant of Uncertain Significance.

NM_006662.3(SRCAP):c.4913C>T (p.Pro1638Leu)

Gene: SRCAP (Snf2 related CREBBP activator protein; plus strand). Cytogenetic location: 16p11.2.
Variant type: single nucleotide variant.
Coding change: c.4913C>T on transcript NM_006662.3 (MANE Select); coding-DNA position 4913, C replaced by T.
Protein change: p.Pro1638Leu; replaces proline 1638 with leucine.
Molecular consequence: missense variant.
Genome position (GRCh38, 1-based): chr16:30,724,337, C>T. VCF-style: chr16-30724337-C-T. GRCh37 (hg19) VCF-style: chr16-30735658-C-T.
Other names: short protein forms P1638L.
Identifiers: ClinVar variation 3681341 (VCV003681341.2).